The following is an entry in ClinVar:

ClinVar aggregate classification (germline): Uncertain significance (1 of 4 stars; one submission).

Submission:

GeneDx
Classification: Uncertain significance. Last evaluated: 2023-06-15. Review status: criteria provided, single submitter. Criteria: GeneDx Variant Classification Process June 2021. Collection method: clinical testing. Allele origin: germline. Affected: yes.
Comment: Not observed at significant frequency in large population cohorts (gnomAD); In silico analysis supports that this missense variant does not alter protein structure/function; Has not been previously published as pathogenic or benign to our knowledge

NM_206965.2(FTCD):c.262C>G (p.Leu88Val)

Gene: FTCD (formimidoyltransferase cyclodeaminase; minus strand). Cytogenetic location: 21q22.3.
Variant type: single nucleotide variant.
Coding change: c.262C>G on transcript NM_206965.2 (MANE Select); coding-DNA position 262, C replaced by G.
Protein change: p.Leu88Val; replaces leucine 88 with valine.
Molecular consequence: missense variant.
Genome position (GRCh38, 1-based): chr21:46,153,012, G>C on the plus strand (C>G on the coding strand, the complement: FTCD is on the minus strand). VCF-style: chr21-46153012-G-C. GRCh37 (hg19) VCF-style: chr21-47572926-G-C.
Other names: c.262C>G, p.Leu88Val (NM_001320412.2, NM_006657.3); short protein forms L88V.
Identifiers: ClinVar variation 3359792 (VCV003359792.1).